The following is an entry in ClinVar:

ClinVar aggregate classification (germline): Likely benign. Review status: criteria provided, single submitter (1 of 4 stars). 2 submissions from 2 submitters: Likely benign (1). 1 of the submissions does not count toward it. Last evaluated 2025-11-05.

Conditions:
IFT74-related disorder. Also called: IFT74-related condition; IFT74-Related Disorders.

Allele frequency attached by ClinVar (database versions not stated): ExAC 0.00012; gnomAD exomes 0.00012; 1000 Genomes Project 30x 0.00016; gnomAD 0.00017 and 0.00019; 1000 Genomes Project 0.00020; TOPMed 0.00020; ESP Exome Variant Server 0.00025.
gnomAD v4.1: 379 of 1,560,626 alleles (0.024%); highest among the groups gnomAD compares: Middle Eastern, 0.034%; no homozygotes.

Submissions (2):

Labcorp Genetics (formerly Invitae), Labcorp
Classification: Likely benign. Last evaluated: 2025-11-05. Review status: criteria provided, single submitter. Criteria: Invitae Variant Classification Sherloc (09022015). Collection method: clinical testing. Allele origin: germline.

PreventionGenetics, part of Exact Sciences
Classification: Likely benign for IFT74-related condition. Last evaluated: 2021-10-06. Review status: no assertion criteria provided. Collection method: clinical testing. Allele origin: germline. Not counted in ClinVar's aggregate classification.
Comment: This variant is classified as likely benign based on ACMG/AMP sequence variant interpretation guidelines (Richards et al. 2015 PMID: 25741868, with internal and published modifications).

NM_025103.4(IFT74):c.1794C>T (p.Ser598=)

Gene: IFT74 (intraflagellar transport 74; plus strand). Cytogenetic location: 9p21.2.
Variant type: single nucleotide variant.
Coding change: c.1794C>T on transcript NM_025103.4 (MANE Select); coding-DNA position 1794, C replaced by T.
Protein change: p.Ser598=; no amino-acid change (serine 598 retained).
Molecular consequence: synonymous variant. On other transcripts: 3 prime UTR variant (1).
Genome position (GRCh38, 1-based): chr9:27,062,727, C>T. VCF-style: chr9-27062727-C-T. GRCh37 (hg19) VCF-style: chr9-27062725-C-T.
Other names: c.1794C>T, p.Ser598= (NM_001099222.3, NM_001099223.3); c.*730C>T (NM_001349928.2); c.1794C>T (NM_025103.2).
Identifiers: ClinVar variation 1594050 (VCV001594050.10), dbSNP rs201682450, ClinGen allele CA5015786.